The following is an entry in ClinVar:

NM_025179.4(PLXNA2):c.2738+8C>T

Gene: PLXNA2 (plexin A2; minus strand). Cytogenetic location: 1q32.2.
Variant type: single nucleotide variant.
Coding change: c.2738+8C>T on transcript NM_025179.4 (MANE Select); 8 bases into the intron after coding-DNA position 2738, C replaced by T.
Molecular consequence: intron variant.
Genome position (GRCh38, 1-based): chr1:208,060,678, G>A on the plus strand (C>T on the coding strand, the complement: PLXNA2 is on the minus strand). VCF-style: chr1-208060678-G-A. GRCh37 (hg19) VCF-style: chr1-208234023-G-A.
Other names: c.2738+8C>T (NM_025179.3).
Identifiers: ClinVar variation 2184910 (VCV002184910.5), dbSNP rs762742892, ClinGen allele CA1373426.
Genomic context (GRCh38, chr1:208,060,678, plus strand): 5'-AGAGGGGAGAGTCTCCAGTCTCCACTCTGAAGCTCCCATGGGAAAAGGGCTGGCCAGGGC[G>A]GACTCACTGCTCAGCGATGATGTATTCCCCTGGGAGGGGCGTGCAGGGCACCCCAGCCAC-3'

ClinVar aggregate classification (germline): Likely benign. Review status: criteria provided, multiple submitters, no conflicts (2 of 4 stars). 2 submissions from 2 submitters: Likely benign (2). Last evaluated 2025-03-13.

Conditions:
PLXNA2-related disorder. Also called: PLXNA2-related condition.

Allele frequency attached by ClinVar (database versions not stated): ExAC 0.00001; gnomAD 0.00001; TOPMed 0.00002.
gnomAD v4.1: 10 of 1,610,112 alleles (0.00062%); highest among the groups gnomAD compares: Admixed American, 0.0034%; no homozygotes.

Submissions (2):

PreventionGenetics, part of Exact Sciences
Classification: Likely benign for PLXNA2-related condition. Last evaluated: 2025-03-13. Review status: criteria provided, single submitter. Criteria: ACMG Guidelines, 2015. Collection method: clinical testing. Allele origin: germline.
Comment: This variant is classified as likely benign based on ACMG/AMP sequence variant interpretation guidelines (Richards et al. 2015 PMID: 25741868, with internal and published modifications).

Labcorp Genetics (formerly Invitae), Labcorp
Classification: Likely benign. Last evaluated: 2022-10-06. Review status: criteria provided, single submitter. Criteria: Invitae Variant Classification Sherloc (09022015). Collection method: clinical testing. Allele origin: germline.